The following is an entry in ClinVar:

NM_001330078.2(NRXN1):c.1321-229C>T

Gene: NRXN1 (neurexin 1; minus strand). Cytogenetic location: 2p16.3.
Variant type: single nucleotide variant.
Coding change: c.1321-229C>T on transcript NM_001330078.2 (MANE Select); 229 bases into the intron before coding-DNA position 1321, C replaced by T.
Molecular consequence: intron variant.
Genome position (GRCh38, 1-based): chr2:50,553,254, G>A on the plus strand (C>T on the coding strand, the complement: NRXN1 is on the minus strand). VCF-style: chr2-50553254-G-A. GRCh37 (hg19) VCF-style: chr2-50780392-G-A.
Other names: c.1237-229C>T (NM_001330096.2, NM_001330087.2); c.1282-229C>T (NM_001330083.2, NM_001330084.2); c.1267-229C>T (NM_001330088.2); c.1318-229C>T (NM_001330093.2); c.1309-229C>T (NM_001330094.2); c.1297-229C>T (NM_001330095.2, NM_001330082.2, NM_001330077.2); c.1321-229C>T (NM_001330085.2, NM_004801.6, NM_001330086.2); c.1441-229C>T (NM_001135659.3).
Identifiers: ClinVar variation 667697 (VCV000667697.1), dbSNP rs13416514, ClinGen allele CA16097662.

ClinVar aggregate classification (germline): Benign (1 of 4 stars; one submission).

Allele frequency attached by ClinVar (database versions not stated): gnomAD 0.17482 and 0.17812; TOPMed 0.18235; 1000 Genomes Project 30x 0.22096; 1000 Genomes Project 0.22165.
gnomAD v4.1: 27,044 of 152,140 alleles (18%); highest among the groups gnomAD compares: East Asian, 34%; 2,533 homozygotes.

Submission:

GeneDx
Classification: Benign. Last evaluated: 2018-06-14. Review status: criteria provided, single submitter. Criteria: GeneDx Variant Classification (06012015). Collection method: clinical testing. Allele origin: germline. Affected: yes.
Comment: This variant is considered likely benign or benign based on one or more of the following criteria: it is a conservative change, it occurs at a poorly conserved position in the protein, it is predicted to be benign by multiple in silico algorithms, and/or has population frequency not consistent with disease.